The following is an entry in ClinVar:

ClinVar aggregate classification (germline): Likely benign (1 of 4 stars; one submission).

Conditions:
FAN1-related disorder. Also called: FAN1-related condition.

gnomAD v4.1: 12 of 1,613,888 alleles (0.00074%); highest among the groups gnomAD compares: Non-Finnish European, 0.00093%; no homozygotes.

Submission:

PreventionGenetics, part of Exact Sciences
Classification: Likely benign for FAN1-related condition. Last evaluated: 2026-04-16. Review status: criteria provided, single submitter. Criteria: ACMG Guidelines, 2015. Collection method: clinical testing. Allele origin: germline.
Comment: This variant is classified as likely benign based on ACMG/AMP sequence variant interpretation guidelines (Richards et al. 2015 PMID: 25741868, with internal and published modifications).

NM_014967.5(FAN1):c.481A>C (p.Arg161=)

Gene: FAN1 (FANCD2 and FANCI associated nuclease 1; plus strand). Cytogenetic location: 15q13.3.
Variant type: single nucleotide variant.
Coding change: c.481A>C on transcript NM_014967.5 (MANE Select); coding-DNA position 481, A replaced by C.
Protein change: p.Arg161=; no amino-acid change (arginine 161 retained).
Molecular consequence: synonymous variant.
Genome position (GRCh38, 1-based): chr15:30,905,144, A>C. VCF-style: chr15-30905144-A-C. GRCh37 (hg19) VCF-style: chr15-31197347-A-C.
Other names: c.481A>C, p.Arg161= (NM_001146094.2, NM_001146095.1, NM_001146096.2).
Identifiers: ClinVar variation 4990030 (VCV004990030.1).